The following is an entry in ClinVar:

NM_000228.3(LAMB3):c.2376del (p.Arg792fs)

Gene: LAMB3 (laminin subunit beta 3; minus strand). Cytogenetic location: 1q32.2.
Variant type: Deletion.
Coding change: c.2376del on transcript NM_000228.3 (MANE Select); coding-DNA position 2376, one base deleted (G; older notation c.2376delG).
Protein change: p.Arg792fs; shifts the reading frame from arginine 792.
Molecular consequence: frameshift variant.
Genome position (GRCh38, 1-based): chr1:209,623,162, C deleted on the plus strand (G on the coding strand, the reverse complement: LAMB3 is on the minus strand); the first of 2 consecutive C bases (chr1:209,623,162-209,623,163); deleting either gives the same sequence. VCF-style (leftmost placement, unchanged base first): chr1-209623161-GC-G. GRCh37 (hg19) VCF-style: chr1-209796506-GC-G.
Other names: c.2376del, p.Arg792fs (NM_001017402.2, NM_001127641.1); short protein forms R792fs.
Identifiers: ClinVar variation 4855544 (VCV004855544.1).

ClinVar aggregate classification (germline): Likely pathogenic (1 of 4 stars; one submission).

Conditions:
LAMB3-related disorder. Also called: LAMB3-related condition.

Submission:

3billion
Classification: Likely pathogenic for LAMB3-related disorder. Last evaluated: 2025-12-17. Review status: criteria provided, single submitter. Criteria: ACMG Guidelines, 2015. Collection method: clinical testing. Allele origin: germline. Affected: yes.
Comment: The variant is not observed in the gnomAD v4.1.0 dataset. Predicted Consequence/Location: Frameshift: predicted to result in a loss or disruption of normal protein function through nonsense-mediated decay (NMD) or protein truncation. Multiple pathogenic variants are reported downstream of the variant. Therefore, this variant is classified as Likely pathogenic according to the recommendation of ACMG/AMP guideline.